The following is an entry in ClinVar:

ClinVar aggregate classification (germline): Uncertain significance (1 of 4 stars; one submission).

Conditions:
Gastrointestinal stromal tumor. Also called: Gastrointestinal stromal tumor, somatic; Gastrointestinal stroma tumor. Identifiers: Orphanet 44890, MedGen C0238198, MeSH D046152, MONDO:0011719, OMIM 606764, HP:0100723.

Submission:

Labcorp Genetics (formerly Invitae), Labcorp
Classification: Uncertain significance for Gastrointestinal stromal tumor. Last evaluated: 2021-08-24. Review status: criteria provided, single submitter. Criteria: Invitae Variant Classification Sherloc (09022015). Collection method: clinical testing. Allele origin: germline.
Comment: This sequence change replaces methionine with isoleucine at codon 899 of the KIT protein (p.Met899Ile). The methionine residue is highly conserved and there is a small physicochemical difference between methionine and isoleucine. This variant is not present in population databases (ExAC no frequency). This variant has not been reported in the literature in individuals affected with KIT-related conditions. Algorithms developed to predict the effect of missense changes on protein structure and function output the following: SIFT: "Deleterious"; PolyPhen-2: "Benign"; Align-GVGD: "Class C0". The isoleucine amino acid residue is found in multiple mammalian species, which suggests that this missense change does not adversely affect protein function. In summary, the available evidence is currently insufficient to determine the role of this variant in disease. Therefore, it has been classified as a Variant of Uncertain Significance.

NM_000222.3(KIT):c.2697G>A (p.Met899Ile)

Gene: KIT (KIT proto-oncogene, receptor tyrosine kinase; plus strand). Cytogenetic location: 4q12.
Variant type: single nucleotide variant.
Coding change: c.2697G>A on transcript NM_000222.3 (MANE Select); coding-DNA position 2697, G replaced by A.
Protein change: p.Met899Ile; replaces methionine 899 with isoleucine.
Molecular consequence: missense variant.
Genome position (GRCh38, 1-based): chr4:54,737,175, G>A. VCF-style: chr4-54737175-G-A. GRCh37 (hg19) VCF-style: chr4-55603341-G-A.
Other names: c.2685G>A, p.Met895Ile (NM_001093772.2, NM_001385292.1); c.2700G>A, p.Met900Ile (NM_001385284.1); c.2694G>A, p.Met898Ile (NM_001385285.1); c.2682G>A, p.Met894Ile (NM_001385286.1); c.2688G>A, p.Met896Ile (NM_001385288.1); c.2697G>A, p.Met899Ile (NM_001385290.1); short protein forms M894I, M895I, M896I, M898I, M899I, M900I.
Identifiers: ClinVar variation 1063999 (VCV001063999.6), dbSNP rs769984428, ClinGen allele CA356914160.